The following is an entry in ClinVar:

ClinVar aggregate classification (germline): Likely benign. Review status: criteria provided, multiple submitters, no conflicts (2 of 4 stars). 3 submissions from 3 submitters: Likely benign (3). Last evaluated 2026-04-06.

Allele frequency attached by ClinVar (database versions not stated): gnomAD 0.00004 and 0.00002; TOPMed 0.00005; ExAC 0.00008; gnomAD exomes 0.00010.
gnomAD v4.1: 37 of 1,603,526 alleles (0.0023%); highest among the groups gnomAD compares: Admixed American, 0.043%; no homozygotes.

Submissions (3):

Women's Health and Genetics/Laboratory Corporation of America, LabCorp
Classification: Likely benign. Last evaluated: 2026-04-06. Review status: criteria provided, single submitter. Criteria: LabCorp Variant Classification Summary - May 2015. Collection method: clinical testing. Allele origin: germline.

Labcorp Genetics (formerly Invitae), Labcorp
Classification: Likely benign. Last evaluated: 2025-11-19. Review status: criteria provided, single submitter. Criteria: Invitae Variant Classification Sherloc (09022015). Collection method: clinical testing. Allele origin: germline.

CeGaT Center for Human Genetics Tuebingen
Classification: Likely benign. Last evaluated: 2025-09-01. Review status: criteria provided, single submitter. Criteria: CeGaT Center For Human Genetics Tuebingen Variant Classification Criteria Version 2. Collection method: clinical testing. Allele origin: germline. Affected: yes. Observed: 1 variant allele.
Comment: LONP1: BP4, BP7

NM_004793.4(LONP1):c.2067C>T (p.Ala689=)

Gene: LONP1 (lon peptidase 1, mitochondrial; minus strand). Cytogenetic location: 19p13.3.
Variant type: single nucleotide variant.
Coding change: c.2067C>T on transcript NM_004793.4 (MANE Select); coding-DNA position 2067, C replaced by T.
Protein change: p.Ala689=; no amino-acid change (alanine 689 retained).
Molecular consequence: synonymous variant. On other transcripts: non-coding transcript variant (1).
Genome position (GRCh38, 1-based): chr19:5,694,848, G>A on the plus strand (C>T on the coding strand, the complement: LONP1 is on the minus strand). VCF-style: chr19-5694848-G-A. GRCh37 (hg19) VCF-style: chr19-5694859-G-A.
Other names: c.1875C>T, p.Ala625= (NM_001276479.2); c.1479C>T, p.Ala493= (NM_001276480.1).
Identifiers: ClinVar variation 744059 (VCV000744059.17), dbSNP rs761015433, ClinGen allele CA9114304.